The following is an entry in ClinVar:

NM_000322.5(PRPH2):c.-11A>C

Gene: PRPH2 (peripherin 2; minus strand). Cytogenetic location: 6p21.1.
Variant type: single nucleotide variant.
Coding change: c.-11A>C on transcript NM_000322.5 (MANE Select); 11 bases upstream of the start codon, A replaced by C.
Molecular consequence: 5 prime UTR variant.
Genome position (GRCh38, 1-based): chr6:42,722,345, T>G on the plus strand (A>C on the coding strand, the complement: PRPH2 is on the minus strand). VCF-style: chr6-42722345-T-G. GRCh37 (hg19) VCF-style: chr6-42690083-T-G.
Identifiers: ClinVar variation 138908 (VCV000138908.9), dbSNP rs114062933, ClinGen allele CA293076.

ClinVar aggregate classification (germline): Benign. Review status: criteria provided, multiple submitters, no conflicts (2 of 4 stars). 9 submissions from 4 submitters: Benign (8). 1 of the submissions does not count toward it. Last evaluated 2018-01-13.

Conditions:
Retinitis pigmentosa (RP). Identifiers: Orphanet 791, MedGen C0035334, MeSH D012174, MONDO:0019200, OMIM 268000. Inheritance: Autosomal dominant, autosomal recessive and X linked inheritance.
Patterned macular dystrophy 1. Also called: MACULAR DYSTROPHY, BUTTERFLY-SHAPED PIGMENTARY; BUTTERFLY DYSTROPHY OF RETINAL PIGMENT EPITHELIUM. Identifiers: Orphanet 99001, MedGen C4551999, MONDO:0008210, OMIM 169150.
Pigmentary retinal dystrophy. Also called: Fundus albipunctatus. Identifiers: Orphanet 227796, Orphanet 52427, MedGen C0311338, MONDO:0007639, OMIM 136880, HP:0030642.
Choroidal dystrophy, central areolar 2 (CACD2). Also called: Choriodal Dystrophy, Central Areolar 2; MACULAR DYSTROPHY, PROGRESSIVE. Identifiers: Orphanet 75377, MedGen C2751290, MONDO:0013137, OMIM 613105.
Cone-rod dystrophy. Also called: Cone-rod degeneration; Cone/cone-rod dystrophy. Identifiers: Orphanet 1872, MedGen C4085590, MONDO:0015993, HP:0000548.
Adult-onset foveomacular vitelliform dystrophy. Also called: Adult onset vitelliform dystrophy; FOVEOMACULAR DYSTROPHY, ADULT-ONSET, WITH OR WITHOUT CHOROIDAL NEOVASCULARIZATION; FOVEOMACULAR DYSTROPHY, ADULT-ONSET. Identifiers: Orphanet 99000, MedGen C1842914, MONDO:0011979.

Allele frequency attached by ClinVar (database versions not stated): gnomAD exomes 0.00302 and 0.00809; ExAC 0.00998; gnomAD 0.03154 and 0.03391; ESP Exome Variant Server 0.03521; TOPMed 0.03553; 1000 Genomes Project 0.03554; 1000 Genomes Project 30x 0.03701.

Submissions (10):

Illumina Laboratory Services, Illumina
Classification: Benign for Cone-rod dystrophy. Last evaluated: 2018-01-13. Review status: criteria provided, single submitter. Criteria: ICSL Variant Classification Criteria 13 December 2019. Collection method: clinical testing. Allele origin: germline.
Comment: This variant was observed in the ICSL laboratory as part of a predisposition screen in an ostensibly healthy population. It had not been previously curated by ICSL or reported in the Human Gene Mutation Database (HGMD: prior to June 1st, 2018), and was therefore a candidate for classification through an automated scoring system. Utilizing variant allele frequency, disease prevalence and penetrance estimates, and inheritance mode, an automated score was calculated to assess if this variant is too frequent to cause the disease. Based on the score and internal cut-off values, a variant classified as benign is not then subjected to further curation. The score for this variant resulted in a classification of benign for this disease.

Illumina Laboratory Services, Illumina
Classification: Benign for Choroidal dystrophy, central areolar 2. Last evaluated: 2018-01-13. Review status: criteria provided, single submitter. Criteria: ICSL Variant Classification Criteria 13 December 2019. Collection method: clinical testing. Allele origin: germline.
Comment: the same text as in the submission from Illumina Laboratory Services, Illumina above.

Illumina Laboratory Services, Illumina
Classification: Benign for Vitelliform macular dystrophy 3. Last evaluated: 2018-01-13. Review status: criteria provided, single submitter. Criteria: ICSL Variant Classification Criteria 13 December 2019. Collection method: clinical testing. Allele origin: germline.
Comment: the same text as in the submission from Illumina Laboratory Services, Illumina above.

Illumina Laboratory Services, Illumina
Classification: Benign for Retinitis pigmentosa. Last evaluated: 2018-01-13. Review status: criteria provided, single submitter. Criteria: ICSL Variant Classification Criteria 13 December 2019. Collection method: clinical testing. Allele origin: germline.
Comment: the same text as in the submission from Illumina Laboratory Services, Illumina above.

Illumina Laboratory Services, Illumina
Classification: Benign for Pigmentary retinal dystrophy. Last evaluated: 2018-01-13. Review status: criteria provided, single submitter. Criteria: ICSL Variant Classification Criteria 13 December 2019. Collection method: clinical testing. Allele origin: germline.
Comment: the same text as in the submission from Illumina Laboratory Services, Illumina above.

Illumina Laboratory Services, Illumina
Classification: Benign for Patterned macular dystrophy 1. Last evaluated: 2018-01-13. Review status: criteria provided, single submitter. Criteria: ICSL Variant Classification Criteria 13 December 2019. Collection method: clinical testing. Allele origin: germline.
Comment: the same text as in the submission from Illumina Laboratory Services, Illumina above.

GeneDx
Classification: Benign. Last evaluated: 2011-08-08. Review status: criteria provided, single submitter. Criteria: GeneDx Variant Classification (06012015). Collection method: clinical testing. Allele origin: germline. Affected: yes.
Comment: This variant is considered likely benign or benign based on one or more of the following criteria: it is a conservative change, it occurs at a poorly conserved position in the protein, it is predicted to be benign by multiple in silico algorithms, and/or has population frequency not consistent with disease.

PreventionGenetics, part of Exact Sciences
Classification: Benign. Review status: criteria provided, single submitter. Criteria: ACMG Guidelines, 2015. Collection method: clinical testing. Allele origin: germline.

Leiden Open Variation Database
Classification: Benign. Last evaluated: 2021-04-06. Review status: no assertion criteria provided. Collection method: curation. Allele origin: germline. Affected: yes. Not counted in ClinVar's aggregate classification.
Comment: Curator: Global Variome, with Curator vacancy. Submitter to LOVD: Manon Peeters.

Seelig Lab, University of Washington
No classification provided (evidence only). Review status: no classification provided. Collection method: in vitro. Allele origin: not applicable. Functional consequence: effect on translation. Not counted in ClinVar's aggregate classification.
ClinVar note: "not provided" was previously submitted as the classification for the variant. However, the classification appeared to be based only on an observation of functional data so it was converted to no classification on 2025-07-30.

Literature cited by the submitters: PubMed 17698758 (cited by Leiden Open Variation Database).